The following is an entry in ClinVar:

ClinVar aggregate classification (germline): Uncertain significance (1 of 4 stars; one submission).

gnomAD v4.1: 4 of 1,613,790 alleles (0.00025%); highest among the groups gnomAD compares: South Asian, 0.0022%; no homozygotes.

Submission:

GeneDx
Classification: Uncertain significance. Last evaluated: 2023-12-06. Review status: criteria provided, single submitter. Criteria: GeneDx Variant Classification Process June 2021. Collection method: clinical testing. Allele origin: germline. Affected: yes.
Comment: Not observed at significant frequency in large population cohorts (gnomAD); In silico analysis supports that this missense variant does not alter protein structure/function; Has not been previously published as pathogenic or benign to our knowledge

NM_015937.6(PIGT):c.812C>T (p.Pro271Leu)

Gene: PIGT (phosphatidylinositol glycan anchor biosynthesis class T; plus strand). Cytogenetic location: 20q13.12.
Variant type: single nucleotide variant.
Coding change: c.812C>T on transcript NM_015937.6 (MANE Select); coding-DNA position 812, C replaced by T.
Protein change: p.Pro271Leu; replaces proline 271 with leucine.
Molecular consequence: missense variant. On other transcripts: non-coding transcript variant (5).
Genome position (GRCh38, 1-based): chr20:45,420,374, C>T. VCF-style: chr20-45420374-C-T. GRCh37 (hg19) VCF-style: chr20-44049014-C-T.
Other names: c.644C>T, p.Pro215Leu (NM_001184728.3); c.812C>T, p.Pro271Leu (NM_001184729.3); c.506C>T, p.Pro169Leu (NM_001184730.3); short protein forms P169L, P215L, P271L.
Identifiers: ClinVar variation 3365083 (VCV003365083.1).